The following is an entry in ClinVar:

NM_020821.3(VPS13C):c.1194A>C (p.Ile398=)

Gene: VPS13C (vacuolar protein sorting 13 homolog C; minus strand). Cytogenetic location: 15q22.2.
Variant type: single nucleotide variant.
Coding change: c.1194A>C on transcript NM_020821.3 (MANE Select); coding-DNA position 1194, A replaced by C.
Protein change: p.Ile398=; no amino-acid change (isoleucine 398 retained).
Molecular consequence: synonymous variant.
Genome position (GRCh38, 1-based): chr15:62,007,404, T>G on the plus strand (A>C on the coding strand, the complement: VPS13C is on the minus strand). VCF-style: chr15-62007404-T-G. GRCh37 (hg19) VCF-style: chr15-62299603-T-G.
Other names: p.Ile398=; c.1194A>C, p.Ile398= (NM_001018088.3); c.1065A>C, p.Ile355= (NM_017684.5, NM_018080.4).
Identifiers: ClinVar variation 1272790 (VCV001272790.13), dbSNP rs9635356, ClinGen allele CA7597171.

ClinVar aggregate classification (germline): Benign. Review status: criteria provided, multiple submitters, no conflicts (2 of 4 stars). 5 submissions from 5 submitters: Benign (4). 1 of the submissions does not count toward it. Last evaluated 2026-02-02.

Conditions:
VPS13C-related disorder. Also called: VPS13C-related condition.

Allele frequency attached by ClinVar (database versions not stated): 1000 Genomes Project 30x 0.10993; gnomAD 0.05582 and 0.05981; ESP Exome Variant Server 0.03469; TOPMed 0.05988; 1000 Genomes Project 0.10883.
gnomAD v4.1: 66,690 of 1,612,426 alleles (4.1%); highest among the groups gnomAD compares: East Asian, 21%; 3,284 homozygotes.

Submissions (5):

Labcorp Genetics (formerly Invitae), Labcorp
Classification: Benign. Last evaluated: 2026-02-02. Review status: criteria provided, single submitter. Criteria: Invitae Variant Classification Sherloc (09022015). Collection method: clinical testing. Allele origin: germline.

Mayo Clinic Laboratories, Mayo Clinic
Classification: Benign. Last evaluated: 2022-03-24. Review status: criteria provided, single submitter. Criteria: ACMG Guidelines, 2015. Collection method: clinical testing. Allele origin: germline. Observed: 43 variant alleles.

GeneDx
Classification: Benign. Last evaluated: 2020-06-03. Review status: criteria provided, single submitter. Criteria: GeneDx Variant Classification Process June 2021. Collection method: clinical testing. Allele origin: germline. Affected: yes.

Breakthrough Genomics
Classification: Benign. Review status: criteria provided, single submitter. Criteria: ACMG Guidelines, 2015. Collection method: not provided. Allele origin: germline. Inheritance: Autosomal recessive inheritance. Affected: yes.

PreventionGenetics, part of Exact Sciences
Classification: Benign for VPS13C-related condition. Last evaluated: 2019-06-05. Review status: no assertion criteria provided. Collection method: clinical testing. Allele origin: germline. Not counted in ClinVar's aggregate classification.
Comment: This variant is classified as benign based on ACMG/AMP sequence variant interpretation guidelines (Richards et al. 2015 PMID: 25741868, with internal and published modifications).